The following is an entry in ClinVar:

NM_024009.3(GJB3):c.589G>A (p.Val197Ile)

Gene: GJB3 (gap junction protein beta 3; plus strand). Cytogenetic location: 1p34.3.
Variant type: single nucleotide variant.
Coding change: c.589G>A on transcript NM_024009.3 (MANE Select); coding-DNA position 589, G replaced by A.
Protein change: p.Val197Ile; replaces valine 197 with isoleucine.
Molecular consequence: missense variant.
Genome position (GRCh38, 1-based): chr1:34,785,351, G>A. VCF-style: chr1-34785351-G-A. GRCh37 (hg19) VCF-style: chr1-35250952-G-A.
Other names: c.589G>A, p.Val197Ile (NM_001005752.2); short protein forms V197I.
Identifiers: ClinVar variation 46086 (VCV000046086.16), dbSNP rs376506263, ClinGen allele CA137661.
Genomic context (GRCh38, chr1:34,785,351, plus strand): 5'-TACATTGCCCGACCTACCGAGAAGAAAATCTTCACCTACTTCATGGTGGGCGCCTCCGCC[G>A]TCTGCATCGTACTCACCATCTGTGAGCTCTGCTACCTCATCTGCCACAGGGTCCTGCGAG-3'
Protein context (NP_076872.1, residues 187-207): FTYFMVGASA[Val197Ile]CIVLTICELC

ClinVar aggregate classification (germline): Conflicting classifications of pathogenicity. Review status: criteria provided, conflicting classifications (1 of 4 stars). 3 submissions from 3 submitters: Uncertain significance (2); Likely benign (1). Last evaluated 2024-06-13.

Allele frequency attached by ClinVar (database versions not stated): TOPMed 0.00005; gnomAD 0.00003; ESP Exome Variant Server 0.00008.

Submissions (3):

Labcorp Genetics (formerly Invitae), Labcorp
Classification: Uncertain significance. Last evaluated: 2024-06-13. Review status: criteria provided, single submitter. Criteria: Invitae Variant Classification Sherloc (09022015). Collection method: clinical testing. Allele origin: germline.
Comment: This sequence change replaces valine, which is neutral and non-polar, with isoleucine, which is neutral and non-polar, at codon 197 of the GJB3 protein (p.Val197Ile). This variant is present in population databases (rs376506263, gnomAD 0.006%). This variant has not been reported in the literature in individuals affected with GJB3-related conditions. ClinVar contains an entry for this variant (Variation ID: 46086). Advanced modeling of protein sequence and biophysical properties (such as structural, functional, and spatial information, amino acid conservation, physicochemical variation, residue mobility, and thermodynamic stability) performed at Invitae indicates that this missense variant is not expected to disrupt GJB3 protein function with a negative predictive value of 80%. In summary, the available evidence is currently insufficient to determine the role of this variant in disease. Therefore, it has been classified as a Variant of Uncertain Significance.

ARUP Laboratories, Molecular Genetics and Genomics, ARUP Laboratories
Classification: Uncertain significance. Last evaluated: 2017-07-18. Review status: criteria provided, single submitter. Criteria: ARUP Molecular Germline Variant Investigation Process. Collection method: clinical testing. Allele origin: germline.
Comment: The p.Val197Ile variant (rs376506263) has not been reported in the medical literature, nor has it been previously identified in our laboratory; however, it is listed in the ClinVar database (Variation ID: 46086). It is listed in the Genome Aggregation Database (gnomAD) browser with an overall frequency of 0.004% (identified in 11 out of 277,074 chromosomes). The valine at codon 197 is moderately conserved considering 13 species (Alamut software v2.9), and several species including Rhesus macaque have an isoleucine at this position, suggested this variant is evolutionary tolerated. Additionally, computational analyses suggest this variant does not have a significant effect on GJB3protein structure/function (SIFT: tolerated, PolyPhen2: benign, and Mutation Taster: polymorphism). However, based on the available information, the clinical significance of the p.Val197Ile variant cannot be determined with certainty.

Laboratory for Molecular Medicine, Mass General Brigham Personalized Medicine
Classification: Likely benign. Last evaluated: 2013-03-04. Review status: criteria provided, single submitter. Criteria: LMM Criteria. Collection method: clinical testing. Allele origin: germline. Observed: 1 variant allele.
Comment: Val197Ile variant in exon 2 of GJB3: This variant is not expected to have clinic al significance due to lack of conservation across mammals and distant species. Of note, several mammals including primates (rhesus monkey and baboon) have an i soleucine (Ile) at this position. In addition, computational analyses (biochemic al amino acid properties, homology, PolyPhen2, SIFT, AlignGVGD) suggest the vari ant may not impact the protein. This variant has been identified in 1/8600 (0.01 %) European American chromosomes by the NHLBI Exome Sequencing Project.